The following is an entry in ClinVar:

NM_006493.4(CLN5):c.958C>G (p.Gln320Glu)

Gene: CLN5 (CLN5 lysosomal BMP synthase; plus strand). Cytogenetic location: 13q22.3.
Variant type: single nucleotide variant.
Coding change: c.958C>G on transcript NM_006493.4 (MANE Select); coding-DNA position 958, C replaced by G.
Protein change: p.Gln320Glu; replaces glutamine 320 with glutamic acid.
Molecular consequence: missense variant. On other transcripts: 3 prime UTR variant (1).
Genome position (GRCh38, 1-based): chr13:77,000,850, C>G. VCF-style: chr13-77000850-C-G. GRCh37 (hg19) VCF-style: chr13-77574985-C-G.
Other names: c.*407C>G (NM_001366624.2); short protein forms Q369E, Q320E.
Identifiers: ClinVar variation 2004298 (VCV002004298.6), dbSNP rs750935331, ClinGen allele CA7007278.

ClinVar aggregate classification (germline): Uncertain significance. Review status: criteria provided, multiple submitters, no conflicts (2 of 4 stars). 2 submissions from 2 submitters: Uncertain significance (2). Last evaluated 2025-04-11.

Conditions:
Neuronal ceroid lipofuscinosis. Also called: Neuronal Ceroid Lipofuscinoses. Identifiers: Orphanet 216, Orphanet 79263, MedGen C0027877, MONDO:0016295. Disease mechanism: loss of function.

Allele frequency attached by ClinVar (database versions not stated): gnomAD exomes below 0.00001; ExAC 0.00001.

Submissions (2):

Women's Health and Genetics/Laboratory Corporation of America, LabCorp
Classification: Uncertain significance. Last evaluated: 2025-04-11. Review status: criteria provided, single submitter. Criteria: LabCorp Variant Classification Summary - May 2015. Collection method: clinical testing. Allele origin: germline.

Labcorp Genetics (formerly Invitae), Labcorp
Classification: Uncertain significance for Neuronal ceroid lipofuscinosis. Last evaluated: 2022-06-10. Review status: criteria provided, single submitter. Criteria: Invitae Variant Classification Sherloc (09022015). Collection method: clinical testing. Allele origin: germline.
Comment: This variant is present in population databases (rs750935331, gnomAD 0.0009%). In summary, the available evidence is currently insufficient to determine the role of this variant in disease. Therefore, it has been classified as a Variant of Uncertain Significance. Algorithms developed to predict the effect of missense changes on protein structure and function output the following: SIFT: "Tolerated"; PolyPhen-2: "Benign"; Align-GVGD: "Class C0". The glutamic acid amino acid residue is found in multiple mammalian species, which suggests that this missense change does not adversely affect protein function. This variant has not been reported in the literature in individuals affected with CLN5-related conditions. This sequence change replaces glutamine, which is neutral and polar, with glutamic acid, which is acidic and polar, at codon 369 of the CLN5 protein (p.Gln369Glu).